The following is an entry in ClinVar:

ClinVar aggregate classification (germline): Uncertain significance (1 of 4 stars; one submission).

Conditions:
Inborn genetic diseases. Identifiers: MedGen C0950123, MeSH D030342.

Submission:

Ambry Genetics
Classification: Uncertain significance for Inborn genetic diseases. Last evaluated: 2025-05-10. Review status: criteria provided, single submitter. Criteria: Ambry Variant Classification Scheme 2023. Collection method: clinical testing. Allele origin: germline.
Comment: The p.H918Y variant (also known as c.2752C>T), located in coding exon 13 of the ASXL1 gene, results from a C to T substitution at nucleotide position 2752. The histidine at codon 918 is replaced by tyrosine, an amino acid with similar properties. This amino acid position is conserved. In addition, this alteration is predicted to be tolerated by in silico analysis. Based on the available evidence, the clinical significance of this variant remains unclear.

NM_015338.6(ASXL1):c.2752C>T (p.His918Tyr)

Gene: ASXL1 (ASXL transcriptional regulator 1; plus strand). Cytogenetic location: 20q11.21.
Variant type: single nucleotide variant.
Coding change: c.2752C>T on transcript NM_015338.6 (MANE Select); coding-DNA position 2752, C replaced by T.
Protein change: p.His918Tyr; replaces histidine 918 with tyrosine.
Molecular consequence: missense variant.
Genome position (GRCh38, 1-based): chr20:32,435,464, C>T. VCF-style: chr20-32435464-C-T. GRCh37 (hg19) VCF-style: chr20-31023267-C-T.
Other names: c.2569C>T, p.His857Tyr (NM_001363734.1); short protein forms H918Y, H857Y.
Identifiers: ClinVar variation 3956842 (VCV003956842.1).